The following is an entry in ClinVar:

NM_000440.3(PDE6A):c.331A>C (p.Arg111=)

Gene: PDE6A (phosphodiesterase 6A; minus strand). Cytogenetic location: 5q32.
Variant type: single nucleotide variant.
Coding change: c.331A>C on transcript NM_000440.3 (MANE Select); coding-DNA position 331, A replaced by C.
Protein change: p.Arg111=; no amino-acid change (arginine 111 retained).
Molecular consequence: synonymous variant.
Genome position (GRCh38, 1-based): chr5:149,944,343, T>G on the plus strand (A>C on the coding strand, the complement: PDE6A is on the minus strand). VCF-style: chr5-149944343-T-G. GRCh37 (hg19) VCF-style: chr5-149323906-T-G.
Other names: p.R111R:AGG>CGG.
Identifiers: ClinVar variation 138637 (VCV000138637.18), dbSNP rs2277925, ClinGen allele CA200310.

ClinVar aggregate classification (germline): Benign. Review status: criteria provided, multiple submitters, no conflicts (2 of 4 stars). 5 submissions from 5 submitters: Benign (5). Last evaluated 2026-02-03.

Conditions:
Retinal dystrophy. Also called: Inherited retinal dystrophy. Identifiers: Orphanet 71862, MedGen C0854723, MeSH D058499, MONDO:0019118, HP:0000556.
Retinitis pigmentosa (RP). Identifiers: Orphanet 791, MedGen C0035334, MeSH D012174, MONDO:0019200, OMIM 268000. Inheritance: Autosomal dominant, autosomal recessive and X linked inheritance.

Allele frequency attached by ClinVar (database versions not stated): gnomAD 0.21963 and 0.22149; ESP Exome Variant Server 0.20737; TOPMed 0.23153; 1000 Genomes Project 0.28255; 1000 Genomes Project 30x 0.28748.
gnomAD v4.1: 285,240 of 1,613,916 alleles (18%); highest among the groups gnomAD compares: African/African-American, 34%; 28,001 homozygotes.

Submissions (5):

Labcorp Genetics (formerly Invitae), Labcorp
Classification: Benign. Last evaluated: 2026-02-03. Review status: criteria provided, single submitter. Criteria: Invitae Variant Classification Sherloc (09022015). Collection method: clinical testing. Allele origin: germline.

Dept Of Ophthalmology, Nagoya University
Classification: Benign for Retinal dystrophy. Last evaluated: 2023-10-01. Review status: criteria provided, single submitter. Criteria: Submitter's publication. Collection method: research. Allele origin: germline. Affected: yes.

Illumina Laboratory Services, Illumina
Classification: Benign for Retinitis pigmentosa. Last evaluated: 2018-01-12. Review status: criteria provided, single submitter. Criteria: ICSL Variant Classification Criteria 13 December 2019. Collection method: clinical testing. Allele origin: germline.
Comment: This variant was observed in the ICSL laboratory as part of a predisposition screen in an ostensibly healthy population. It had not been previously curated by ICSL or reported in the Human Gene Mutation Database (HGMD: prior to June 1st, 2018), and was therefore a candidate for classification through an automated scoring system. Utilizing variant allele frequency, disease prevalence and penetrance estimates, and inheritance mode, an automated score was calculated to assess if this variant is too frequent to cause the disease. Based on the score and internal cut-off values, a variant classified as benign is not then subjected to further curation. The score for this variant resulted in a classification of benign for this disease.

Eurofins Ntd Llc (ga)
Classification: Benign. Last evaluated: 2014-11-23. Review status: criteria provided, single submitter. Criteria: EGL Classification Definitions 2015. Collection method: clinical testing. Allele origin: germline. Observed: 1 variant allele, 1 heterozygote.

GeneDx
Classification: Benign. Last evaluated: 2011-07-05. Review status: criteria provided, single submitter. Criteria: GeneDx Variant Classification (06012015). Collection method: clinical testing. Allele origin: germline. Affected: yes.
Comment: This variant is considered likely benign or benign based on one or more of the following criteria: it is a conservative change, it occurs at a poorly conserved position in the protein, it is predicted to be benign by multiple in silico algorithms, and/or has population frequency not consistent with disease.